The following is an entry in ClinVar:

NM_001673.5(ASNS):c.750_753del (p.Asp250fs)

Genes: ASNS (asparagine synthetase (glutamine-hydrolyzing); minus strand), CZ1P-ASNS (CZ1P-ASNS readthrough; minus strand). Cytogenetic location: 7q21.3.
Variant type: Microsatellite.
Coding change: c.750_753del on transcript NM_001673.5 (MANE Select); coding-DNA positions 750 to 753, 4 bases deleted (CAGA; older notation c.750_753delCAGA).
Protein change: p.Asp250fs; shifts the reading frame from aspartic acid 250.
Molecular consequence: frameshift variant. On other transcripts: non-coding transcript variant (1).
Genome position (GRCh38, 1-based): chr7:97,858,876-97,858,879, TCTG deleted on the plus strand (CAGA on the coding strand, the reverse complement: ASNS is on the minus strand); deleting any 4 consecutive bases within chr7:97,858,876-97,858,885 gives the same sequence; the c. name uses the placement nearest the transcript's 3' end. VCF-style (leftmost placement, unchanged base first): chr7-97858875-TTCTG-T. GRCh37 (hg19) VCF-style: chr7-97488187-TTCTG-T.
Other names: c.750_753del, p.Asp250fs (NM_183356.4, NM_001352496.2, NM_133436.3); c.750_753delCAGA (NM_133436.3); c.687_690del, p.Asp229fs (NM_001178075.2); c.501_504del, p.Asp167fs (NM_001178076.2, NM_001178077.1); short protein forms D167fs, D250fs, D229fs.
Identifiers: ClinVar variation 1352468 (VCV001352468.7), dbSNP rs2115654584, ClinGen allele CA2580615943.

ClinVar aggregate classification (germline): Pathogenic/Likely pathogenic. Review status: criteria provided, multiple submitters, no conflicts (2 of 4 stars). 2 submissions from 2 submitters: Pathogenic (1); Likely pathogenic (1). Last evaluated 2023-02-27.

Conditions:
Congenital microcephaly - severe encephalopathy - progressive cerebral atrophy syndrome. Also called: ASNS DEFICIENCY; Asparagine synthetase deficiency. Identifiers: Orphanet 391376, MedGen C3809971, MONDO:0014258, OMIM 615574.

Submissions (2):

Labcorp Genetics (formerly Invitae), Labcorp
Classification: Pathogenic. Last evaluated: 2023-02-27. Review status: criteria provided, single submitter. Criteria: Invitae Variant Classification Sherloc (09022015). Collection method: clinical testing. Allele origin: germline.
Comment: For these reasons, this variant has been classified as Pathogenic. ClinVar contains an entry for this variant (Variation ID: 1352468). This variant has not been reported in the literature in individuals affected with ASNS-related conditions. This variant is not present in population databases (gnomAD no frequency). This sequence change creates a premature translational stop signal (p.Asp250Glufs*21) in the ASNS gene. It is expected to result in an absent or disrupted protein product. Loss-of-function variants in ASNS are known to be pathogenic (PMID: 27422383, 30057589).

Women's Health and Genetics/Laboratory Corporation of America, LabCorp
Classification: Likely pathogenic for Congenital microcephaly - severe encephalopathy - progressive cerebral atrophy syndrome. Last evaluated: 2022-08-16. Review status: criteria provided, single submitter. Criteria: LabCorp Variant Classification Summary - May 2015. Collection method: clinical testing. Allele origin: germline.
Comment: Variant summary: ASNS c.750_753delCAGA (p.Asp250GlufsX21) results in a premature termination codon, predicted to cause a truncation of the encoded protein or absence of the protein due to nonsense mediated decay, which are commonly known mechanisms for disease. Truncations downstream of this position have been classified as pathogenic within ClinVar (e.g. c.1192dup [p.Tyr398fs]). The variant was absent in 249586 control chromosomes (gnomAD). To our knowledge, no occurrence of c.750_753delCAGA in individuals affected with Asparagine Synthetase Deficiency or other ASNS-related disorders and no experimental evidence demonstrating its impact on protein function have been reported. One clinical diagnostic laboratory has submitted a clinical-significance assessments for this variant to ClinVar after 2014 and classified the variant as pathogenic. Based on the evidence outlined above, the variant was classified as likely pathogenic.

Literature cited by the submitters: PubMed 27422383 (cited by Labcorp Genetics (formerly Invitae), Labcorp); PubMed 30057589 (cited by Labcorp Genetics (formerly Invitae), Labcorp).